The following is an entry in ClinVar:

ClinVar aggregate classification (germline): Uncertain significance (1 of 4 stars; one submission).

Submission:

Labcorp Genetics (formerly Invitae), Labcorp
Classification: Uncertain significance. Last evaluated: 2025-08-21. Review status: criteria provided, single submitter. Criteria: Invitae Variant Classification Sherloc (09022015). Collection method: clinical testing. Allele origin: germline.
Comment: This sequence change replaces aspartic acid, which is acidic and polar, with glycine, which is neutral and non-polar, at codon 5153 of the USH2A protein (p.Asp5153Gly). This variant is not present in population databases (gnomAD no frequency). This variant has not been reported in the literature in individuals affected with USH2A-related conditions. ClinVar contains an entry for this variant (Variation ID: 1382945). Invitae Evidence Modeling of protein sequence and biophysical properties (such as structural, functional, and spatial information, amino acid conservation, physicochemical variation, residue mobility, and thermodynamic stability) indicates that this missense variant is not expected to disrupt USH2A protein function with a negative predictive value of 95%. In summary, the available evidence is currently insufficient to determine the role of this variant in disease. Therefore, it has been classified as a Variant of Uncertain Significance.

NM_206933.4(USH2A):c.15458A>G (p.Asp5153Gly)

Gene: USH2A (usherin; minus strand). Cytogenetic location: 1q41.
Variant type: single nucleotide variant.
Coding change: c.15458A>G on transcript NM_206933.4 (MANE Select); coding-DNA position 15458, A replaced by G.
Protein change: p.Asp5153Gly; replaces aspartic acid 5153 with glycine.
Molecular consequence: missense variant.
Genome position (GRCh38, 1-based): chr1:215,628,875, T>C on the plus strand (A>G on the coding strand, the complement: USH2A is on the minus strand). VCF-style: chr1-215628875-T-C. GRCh37 (hg19) VCF-style: chr1-215802217-T-C.
Other names: short protein forms D5153G.
Identifiers: ClinVar variation 1382945 (VCV001382945.6), dbSNP rs776555719, ClinGen allele CA344820726.